The following is an entry in ClinVar:

ClinVar aggregate classification (germline): Uncertain significance (1 of 4 stars; one submission).

Conditions:
Hereditary cancer-predisposing syndrome. Also called: Neoplastic Syndromes, Hereditary; Tumor predisposition; Hereditary neoplastic syndrome; Hereditary Cancer Syndrome. Identifiers: Orphanet 140162, MedGen C0027672, MeSH D009386, MONDO:0015356.

Submission:

Ambry Genetics
Classification: Uncertain significance for Hereditary cancer-predisposing syndrome. Last evaluated: 2024-02-22. Review status: criteria provided, single submitter. Criteria: Ambry Variant Classification Scheme 2023. Collection method: clinical testing. Allele origin: germline.
Comment: The c.2379G>A variant (also known as p.Q793Q), located in coding exon 15 of the BRIP1 gene, results from a G to A substitution at nucleotide position 2379. This nucleotide substitution does not change the at codon 793. However, this change occurs in the last base pair of coding exon 15, which makes it likely to have some effect on normal mRNA splicing. This nucleotide position is highly conserved in available vertebrate species. In silico splice site analysis predicts that this alteration will weaken the native splice donor site. Based on the available evidence, the clinical significance of this alteration remains unclear.

NM_032043.3(BRIP1):c.2379G>A (p.Gln793=)

Gene: BRIP1 (BRCA1 interacting DNA helicase 1; minus strand). Cytogenetic location: 17q23.2.
Variant type: single nucleotide variant.
Coding change: c.2379G>A on transcript NM_032043.3 (MANE Select); coding-DNA position 2379, G replaced by A.
Protein change: p.Gln793=; no amino-acid change (glutamine 793 retained).
Molecular consequence: synonymous variant.
Genome position (GRCh38, 1-based): chr17:61,743,013, C>T on the plus strand (G>A on the coding strand, the complement: BRIP1 is on the minus strand). VCF-style: chr17-61743013-C-T. GRCh37 (hg19) VCF-style: chr17-59820374-C-T.
Identifiers: ClinVar variation 3228107 (VCV003228107.1), dbSNP rs1567779336, ClinGen allele CA501151028.